The following is an entry in ClinVar:

ClinVar aggregate classification (germline): Benign. Review status: criteria provided, single submitter (1 of 4 stars). 2 submissions from 2 submitters: Benign (1). 1 of the submissions does not count toward it. Last evaluated 2024-08-06.

Conditions:
TRAPPC2-related disorder. Also called: TRAPPC2-related condition.

Allele frequency attached by ClinVar (database versions not stated): gnomAD 0.00002; TOPMed 0.00002; gnomAD exomes 0.00003.
gnomAD v4.1: 37 of 1,210,188 alleles (0.0031%); highest among the groups gnomAD compares: South Asian, 0.023%; no homozygotes.

Submissions (2):

Labcorp Genetics (formerly Invitae), Labcorp
Classification: Benign. Last evaluated: 2024-08-06. Review status: criteria provided, single submitter. Criteria: Invitae Variant Classification Sherloc (09022015). Collection method: clinical testing. Allele origin: germline.

PreventionGenetics, part of Exact Sciences
Classification: Likely benign for TRAPPC2-related condition. Last evaluated: 2020-01-31. Review status: no assertion criteria provided. Collection method: clinical testing. Allele origin: germline. Not counted in ClinVar's aggregate classification.
Comment: This variant is classified as likely benign based on ACMG/AMP sequence variant interpretation guidelines (Richards et al. 2015 PMID: 25741868, with internal and published modifications).

NM_001011658.4(TRAPPC2):c.138C>T (p.Leu46=)

Genes: OFD1 (OFD1 centriole and centriolar satellite protein; plus strand), TRAPPC2 (trafficking protein particle complex subunit 2; minus strand). Cytogenetic location: Xp22.2.
Variant type: single nucleotide variant.
Coding change: c.138C>T on transcript NM_001011658.4 (MANE Select); coding-DNA position 138, C replaced by T.
Protein change: p.Leu46=; no amino-acid change (leucine 46 retained).
Molecular consequence: synonymous variant.
Genome position (GRCh38, 1-based): chrX:13,716,634, G>A on the plus strand (C>T on the coding strand, the complement: TRAPPC2 is on the minus strand). VCF-style: chrX-13716634-G-A. GRCh37 (hg19) VCF-style: chrX-13734753-G-A.
Other names: c.138C>T (NM_014563.5); c.240C>T, p.Leu80= (NM_001128835.3); c.138C>T, p.Leu46= (NM_014563.6).
Identifiers: ClinVar variation 2191074 (VCV002191074.6), dbSNP rs1291714037, ClinGen allele CA515460582.